The following is an entry in ClinVar:

ClinVar aggregate classification (germline): Likely benign. Review status: criteria provided, single submitter (1 of 4 stars). 2 submissions from 2 submitters: Likely benign (1). 1 of the submissions does not count toward it. Last evaluated 2025-07-22.

Conditions:
SLC44A4-related disorder. Also called: SLC44A4-related condition.

Allele frequency attached by ClinVar (database versions not stated): TOPMed below 0.00001; ExAC 0.00015; 1000 Genomes Project 30x 0.00016; 1000 Genomes Project 0.00020; gnomAD 0.00001; gnomAD exomes 0.00004.
gnomAD v4.1: 73 of 1,613,962 alleles (0.0045%); highest among the groups gnomAD compares: South Asian, 0.065%; no homozygotes.

Submissions (2):

Labcorp Genetics (formerly Invitae), Labcorp
Classification: Likely benign. Last evaluated: 2025-07-22. Review status: criteria provided, single submitter. Criteria: Invitae Variant Classification Sherloc (09022015). Collection method: clinical testing. Allele origin: germline.

PreventionGenetics, part of Exact Sciences
Classification: Likely benign for SLC44A4-related condition. Last evaluated: 2019-05-23. Review status: no assertion criteria provided. Collection method: clinical testing. Allele origin: germline. Not counted in ClinVar's aggregate classification.
Comment: This variant is classified as likely benign based on ACMG/AMP sequence variant interpretation guidelines (Richards et al. 2015 PMID: 25741868, with internal and published modifications).

NM_025257.3(SLC44A4):c.163+6T>C

Gene: SLC44A4 (solute carrier family 44 member 4; minus strand). Cytogenetic location: 6p21.33.
Variant type: single nucleotide variant.
Coding change: c.163+6T>C on transcript NM_025257.3 (MANE Select); 6 bases into the intron after coding-DNA position 163, T replaced by C.
Molecular consequence: intron variant.
Genome position (GRCh38, 1-based): chr6:31,876,050, A>G on the plus strand (T>C on the coding strand, the complement: SLC44A4 is on the minus strand). VCF-style: chr6-31876050-A-G. GRCh37 (hg19) VCF-style: chr6-31843827-A-G.
Other names: c.163+6T>C (NM_001178044.2); c.-66+6T>C (NM_001178045.2).
Identifiers: ClinVar variation 3039266 (VCV003039266.4), dbSNP rs574882585, ClinGen allele CA3725805.
Genomic context (GRCh38, chr6:31,876,050, plus strand): 5'-GAATGGTCCCTCCCTGGGTTCCTGTCCCTCACCCACTGCCCTGGCTCTGAGCAGCTGGAA[A>G]CTCACCCACAATCCCCACCACGATGTAACCTAGAATGAAGAGCAGGAAGAGGACGCAGCA-3'